The following is an entry in ClinVar:

ClinVar aggregate classification (germline): Uncertain significance (1 of 4 stars; one submission).

Conditions:
Inborn genetic diseases. Identifiers: MedGen C0950123, MeSH D030342.

gnomAD v4.1: 4 of 1,613,580 alleles (0.00025%); highest among the groups gnomAD compares: Non-Finnish European, 0.00034%; no homozygotes.

Submission:

Ambry Genetics
Classification: Uncertain significance for Inborn genetic diseases. Last evaluated: 2025-05-23. Review status: criteria provided, single submitter. Criteria: Ambry Variant Classification Scheme 2023. Collection method: clinical testing. Allele origin: germline.
Comment: The p.K1394Q variant (also known as c.4180A>C), located in coding exon 1 of the SAMD9L gene, results from an A to C substitution at nucleotide position 4180. The lysine at codon 1394 is replaced by glutamine, an amino acid with similar properties. This amino acid position is conserved. In addition, this alteration is predicted to be tolerated by in silico analysis. Based on the available evidence, the clinical significance of this variant remains unclear.

NM_152703.5(SAMD9L):c.4180A>C (p.Lys1394Gln)

Gene: SAMD9L (sterile alpha motif domain containing 9 like; minus strand). Cytogenetic location: 7q21.2.
Variant type: single nucleotide variant.
Coding change: c.4180A>C on transcript NM_152703.5 (MANE Select); coding-DNA position 4180, A replaced by C.
Protein change: p.Lys1394Gln; replaces lysine 1394 with glutamine.
Molecular consequence: missense variant.
Genome position (GRCh38, 1-based): chr7:93,131,792, T>G on the plus strand (A>C on the coding strand, the complement: SAMD9L is on the minus strand). VCF-style: chr7-93131792-T-G. GRCh37 (hg19) VCF-style: chr7-92761105-T-G.
Other names: c.4180A>C, p.Lys1394Gln (NM_001303496.3, NM_001303497.3, NM_001303498.3 and 5 more transcripts); short protein forms K1394Q.
Identifiers: ClinVar variation 3949951 (VCV003949951.1).